The following is an entry in ClinVar:

ClinVar aggregate classification (germline): Pathogenic/Likely pathogenic. Review status: criteria provided, multiple submitters, no conflicts (2 of 4 stars). 3 submissions from 3 submitters: Pathogenic (1); Likely pathogenic (1). 1 of the submissions does not count toward it. Last evaluated 2023-12-22.

Conditions:
SNRNP200-related disorder. Also called: SNRNP200-related condition.
Retinal dystrophy. Also called: Inherited retinal dystrophy. Identifiers: Orphanet 71862, MedGen C0854723, MeSH D058499, MONDO:0019118, HP:0000556.

Submissions (3):

Labcorp Genetics (formerly Invitae), Labcorp
Classification: Pathogenic. Last evaluated: 2023-12-22. Review status: criteria provided, single submitter. Criteria: Invitae Variant Classification Sherloc (09022015). Collection method: clinical testing. Allele origin: germline.
Comment: This sequence change replaces proline, which is neutral and non-polar, with serine, which is neutral and polar, at codon 682 of the SNRNP200 protein (p.Pro682Ser). This variant is not present in population databases (gnomAD no frequency). This missense change has been observed in individuals with autosomal dominant retinitis pigmentosa (PMID: 24319334, 31213501; Invitae). ClinVar contains an entry for this variant (Variation ID: 866863). Advanced modeling of protein sequence and biophysical properties (such as structural, functional, and spatial information, amino acid conservation, physicochemical variation, residue mobility, and thermodynamic stability) performed at Invitae indicates that this missense variant is expected to disrupt SNRNP200 protein function with a positive predictive value of 80%. For these reasons, this variant has been classified as Pathogenic.

Blueprint Genetics
Classification: Likely pathogenic for SNRNP200-related disorders. Last evaluated: 2018-11-28. Review status: criteria provided, single submitter. Criteria: ACMG Guidelines, 2015. Collection method: clinical testing. Allele origin: germline. Affected: yes. Observed: 2 variant alleles.

Dept Of Ophthalmology, Nagoya University
Classification: Uncertain significance for Retinal dystrophy. Last evaluated: 2023-10-01. Review status: flagged submission. Criteria: Submitter's publication. Collection method: research. Allele origin: germline. Affected: yes. Not counted in ClinVar's aggregate classification.
ClinVar note: Reason: Outlier claim with insufficient supporting evidence

Literature cited by the submitters: PubMed 24319334 (cited by Labcorp Genetics (formerly Invitae), Labcorp); PubMed 31213501 (cited by Labcorp Genetics (formerly Invitae), Labcorp).

NM_014014.5(SNRNP200):c.2044C>T (p.Pro682Ser)

Gene: SNRNP200 (small nuclear ribonucleoprotein U5 subunit 200; minus strand). Cytogenetic location: 2q11.2.
Variant type: single nucleotide variant.
Coding change: c.2044C>T on transcript NM_014014.5 (MANE Select); coding-DNA position 2044, C replaced by T.
Protein change: p.Pro682Ser; replaces proline 682 with serine.
Molecular consequence: missense variant.
Genome position (GRCh38, 1-based): chr2:96,293,088, G>A on the plus strand (C>T on the coding strand, the complement: SNRNP200 is on the minus strand). VCF-style: chr2-96293088-G-A. GRCh37 (hg19) VCF-style: chr2-96958826-G-A.
Other names: short protein forms P682S.
Identifiers: ClinVar variation 866863 (VCV000866863.9), dbSNP rs2063893838, ClinGen allele CA347679545.